The following is an entry in ClinVar:

NM_004006.2:c.(6438+1_6439-1)_(6614+1_6615-1)del

Gene: DMD (dystrophin; minus strand).
Variant type: Deletion.
Identifiers: ClinVar variation 992228 (VCV000992228.1).

ClinVar aggregate classification (germline): Pathogenic (1 of 4 stars; one submission).

Conditions:
Neuromuscular disease caused by qualitative or quantitative defects of dystrophin. Also called: Qualitative or quantitative defects of dystrophin. Identifiers: Orphanet 207085, MedGen C5679787, MONDO:0016147.

Submission:

Women's Health and Genetics/Laboratory Corporation of America, LabCorp
Classification: Pathogenic for Dystrophinopathies. Last evaluated: 2020-12-10. Review status: criteria provided, single submitter. Criteria: LabCorp Variant Classification Summary - May 2015. Collection method: clinical testing. Allele origin: germline.
Comment: Variant summary: The variant identified by MLPA or other technology involves the deletion of exon 45 in the DMD gene. A presumed nomenclature of c.(6438+1_6439-1)_(6614+1_6615-1)del has been designated for the purposes of this classification. Although exact breakpoints of this deletion are not known, it is expected to result in a frameshift deletion change in the DMD gene, a known mechanism of disease. The variant was absent in 15853 control chromosomes (gnomAD, Structural Variants dataset). Deletion of exon 45 has been reported in the literature in multiple individuals affected with Dystrophinopathies (e.g. Prior_2005, Flanigan_2009, Chen_2014, Zamani_2015). These data indicate that the variant is very likely to be associated with disease. Experimental evidence demonstrated that this variant may affect mRNA splicing causing skipping of exon 44 and resulting in an in-frame product with deletion of both exons 44 and 45 (e.g. Dwianingsih_2014). Three ClinVar submitters (evaluation after 2014) cite the variant as pathogenic. Based on the evidence outlined above, the variant was classified as pathogenic.

Literature cited by the submitters: PubMed 19937601; PubMed 25244321; PubMed 16049303; PubMed 26081009; PubMed 24871807.